The following is an entry in ClinVar:

ClinVar aggregate classification (germline): Pathogenic. Review status: reviewed by expert panel (3 of 4 stars). 2 submissions from 2 submitters: Pathogenic (1). 1 of the submissions does not count toward it. Last evaluated 2016-09-08.

Conditions:
Breast-ovarian cancer, familial, susceptibility to, 1 (BROVCA1). Also called: BRCA1 Hereditary Breast and Ovarian Cancer; OVARIAN CANCER, SUSCEPTIBILITY TO. Identifiers: Orphanet 145, MedGen C2676676, MONDO:0011450, OMIM 604370. Disease mechanism: loss of function.

Submissions (2):

Evidence-based Network for the Interpretation of Germline Mutant Alleles (ENIGMA)
Classification: Pathogenic for Breast-ovarian cancer, familial, susceptibility to, 1. Last evaluated: 2016-09-08. Review status: reviewed by expert panel. Criteria: ENIGMA BRCA1/2 Classification Criteria (2015). Collection method: curation. Allele origin: germline.
Comment: Variant allele predicted to encode a truncated non-functional protein.

Breast Cancer Information Core (BIC) (BRCA1)
Classification: Pathogenic for Breast-ovarian cancer, familial 1. Last evaluated: 2002-05-29. Review status: no assertion criteria provided. Collection method: clinical testing. Allele origin: germline. Affected: yes. Observed: 1 variant allele. Not counted in ClinVar's aggregate classification.

NM_007294.4(BRCA1):c.4167_4168insAG (p.Asp1390fs)

Gene: BRCA1 (BRCA1 DNA repair associated; minus strand). Cytogenetic location: 17q21.31.
Variant type: Insertion.
Coding change: c.4167_4168insAG on transcript NM_007294.4 (MANE Select); coding-DNA positions 4167 to 4168, AG inserted.
Protein change: p.Asp1390fs; shifts the reading frame from aspartic acid 1390.
Molecular consequence: frameshift variant. On other transcripts: non-coding transcript variant (1).
Genome position: GRCh38 VCF-style: chr17-43090961-C-CCT. GRCh37 (hg19) VCF-style: chr17-41242978-C-CCT.
Other names: 4286insAG; c.4026_4027insAG, p.Asp1343Argfs (NM_001407737.1, NM_001407738.1, NM_001407739.1 and 28 more transcripts); c.4023_4024insAG, p.Asp1342Argfs (NM_001407740.1, NM_001407741.1, NM_001407742.1 and 20 more transcripts); c.3954_3955insAG, p.Asp1319Argfs (NM_001407853.1, NM_001407894.1, NM_001407895.1 and 9 more transcripts); c.4167_4168insAG, p.Asp1390Argfs (NM_001407854.1, NM_001407858.1, NM_001407859.1 and 29 more transcripts); c.4164_4165insAG, p.Asp1389Argfs (NM_001407860.1, NM_001407861.1, NM_001407587.1 and 22 more transcripts); c.3966_3967insAG, p.Asp1323Argfs (NM_001407862.1); c.4044_4045insAG, p.Asp1349Argfs (NM_001407863.1, NM_001407919.1, NM_001407937.1 and 19 more transcripts); and 45 more; short protein forms D1343fs, D1390fs, D287fs.
Identifiers: ClinVar variation 125683 (VCV000125683.3), dbSNP rs80357847, ClinGen allele CA002667.
Genomic context (GRCh38, chr17:43,090,961, plus strand): 5'-GACACCACACACACGCATGTGCACACACACACACGCTTTTTACCTGAGTGGTTAAAATGT[C>CCT]ACTCTGAGAGGATAGCCCTGAGCAGTCTTCAGAGACGCTTGTTTCACTCTCACACCCAGA-3'